The following is an entry in ClinVar:

ClinVar aggregate classification (germline): Likely benign (1 of 4 stars; one submission).

gnomAD v4.1: 676 of 1,613,870 alleles (0.042%); highest among the groups gnomAD compares: Non-Finnish European, 0.051%; no homozygotes.

Submission:

CeGaT Center for Human Genetics Tuebingen
Classification: Likely benign. Last evaluated: 2024-09-01. Review status: criteria provided, single submitter. Criteria: CeGaT Center For Human Genetics Tuebingen Variant Classification Criteria Version 2. Collection method: clinical testing. Allele origin: germline. Affected: yes. Observed: 1 variant allele.
Comment: NUMA1: BP4

NM_006185.4(NUMA1):c.3587G>A (p.Arg1196His)

Gene: NUMA1 (nuclear mitotic apparatus protein 1; minus strand). Cytogenetic location: 11q13.4.
Variant type: single nucleotide variant.
Coding change: c.3587G>A on transcript NM_006185.4 (MANE Select); coding-DNA position 3587, G replaced by A.
Protein change: p.Arg1196His; replaces arginine 1196 with histidine.
Molecular consequence: missense variant.
Genome position (GRCh38, 1-based): chr11:72,013,916, C>T on the plus strand (G>A on the coding strand, the complement: NUMA1 is on the minus strand). VCF-style: chr11-72013916-C-T. GRCh37 (hg19) VCF-style: chr11-71724962-C-T.
Other names: c.3587G>A, p.Arg1196His (NM_001286561.2); short protein forms R1196H.
Identifiers: ClinVar variation 3388981 (VCV003388981.14).
Genomic context (GRCh38, chr11:72,013,916, plus strand): 5'-CCCCGGGCCACCTGGGCCTTCCACTCATCTTCAGCCTTGCTGTGGTCTTGTACCTTGGTG[C>T]GGAAGGCAGCCAACTCCCGTTGGGCCGAGGCTAAGGCACTCTGACTGTGCCCTAGCTCCT-3'
Protein context (NP_006176.2, residues 1186-1206): ASAQRELAAF[Arg1196His]TKVQDHSKAE